The following is an entry in ClinVar:

ClinVar aggregate classification (germline): Uncertain significance (1 of 4 stars; one submission).

Conditions:
Stickler syndrome, type 6. Also called: Stickler syndrome, type VI; Stickler syndrome, IIa 6. Identifiers: MedGen C5774207, MONDO:0031047, OMIM 620022.
Intervertebral disc disorder (IDD). Also called: INTERVERTEBRAL DISC DISEASE; Lumbar disk degenerative disorder. Identifiers: MedGen C0158252, MONDO:0044339, OMIM 603932.
Epiphyseal dysplasia, multiple, 3 (EDM3). Also called: Epiphyseal dysplasia, multiple, 3, with or without myopathy; COL9A3-Related Multiple Epiphyseal Dysplasia. Identifiers: MedGen C1832998, MONDO:0010964, OMIM 600969.

Submission:

Juno Genomics, Hangzhou Juno Genomics, Inc
Classification: Uncertain significance for Intervertebral disc disorder; Epiphyseal dysplasia, multiple, 3; Stickler syndrome, type 6. Review status: criteria provided, single submitter. Criteria: ACMG Guidelines, 2015. Collection method: clinical testing. Allele origin: germline.
Comment: Absent from controls (or at extremely low frequency if recessive) in Genome Aggregation Database.;Protein length changes due to in-frame deletions/insertions in a non-repeat region or stop-loss variants.

NM_001853.4(COL9A3):c.1689_1697del (p.561PPG[2])

Gene: COL9A3 (collagen type IX alpha 3 chain; plus strand). Cytogenetic location: 20q13.33.
Variant type: Deletion.
Coding change: c.1689_1697del on transcript NM_001853.4 (MANE Select); coding-DNA positions 1689 to 1697, 9 bases deleted (GCCCCCAGG; older notation c.1689_1697delGCCCCCAGG).
Protein change: p.561PPG[2].
Molecular consequence: inframe deletion.
Genome position (GRCh38, 1-based): chr20:62,837,168-62,837,176, GCCCCCAGG deleted; deleting any 9 consecutive bases within chr20:62,837,166-62,837,176 gives the same sequence; the c. name uses the placement nearest the transcript's 3' end. VCF-style (leftmost placement, unchanged base first): chr20-62837165-TGGGCCCCCA-T. GRCh37 (hg19) VCF-style: chr20-61468517-TGGGCCCCCA-T.
Identifiers: ClinVar variation 5006404 (VCV005006404.2).